The following is an entry in ClinVar:

NM_004281.4(BAG3):c.910-2A>C

Gene: BAG3 (BAG cochaperone 3; plus strand). Cytogenetic location: 10q26.11.
Variant type: single nucleotide variant.
Coding change: c.910-2A>C on transcript NM_004281.4 (MANE Select); the canonical splice acceptor site of the intron before coding-DNA position 910, A replaced by C.
Molecular consequence: splice acceptor variant.
Genome position (GRCh38, 1-based): chr10:119,676,462, A>C. VCF-style: chr10-119676462-A-C. GRCh37 (hg19) VCF-style: chr10-121435974-A-C.
Identifiers: ClinVar variation 645255 (VCV000645255.11), dbSNP rs762944997, ClinGen allele CA5716449.
Genomic context (GRCh38, chr10:119,676,462, plus strand): 5'-ACAAACAATTTCTGTGACTTTCAGTCAGTTATTAAAAATATATTTTTGTGTCCTTTTTTC[A>C]GCAGCCCATGACCCATCGAGAAACTGCACCTGTTTCCCAGCCTGAAAACAAACCAGAAAG-3'

ClinVar aggregate classification (germline): Conflicting classifications of pathogenicity. Review status: criteria provided, conflicting classifications (1 of 4 stars). 3 submissions from 3 submitters: Likely pathogenic (1); Uncertain significance (2). Last evaluated 2026-04-28.

Conditions:
Dilated cardiomyopathy 1HH (CMD1HH). Identifiers: Orphanet 154, MedGen C3151293, MONDO:0013479, OMIM 613881.
Myofibrillar myopathy 6. Identifiers: Orphanet 199340, MedGen C2751831, MONDO:0013061, OMIM 612954.
Cardiovascular phenotype. Identifiers: MedGen CN230736.

Allele frequency attached by ClinVar (database versions not stated): gnomAD exomes below 0.00001 and 0.00001; TOPMed below 0.00001; ExAC 0.00001; gnomAD 0.00001.
gnomAD v4.1: 18 of 1,613,644 alleles (0.0011%); highest among the groups gnomAD compares: Non-Finnish European, 0.0011%; no homozygotes.

Submissions (3):

GeneDx
Classification: Likely pathogenic. Last evaluated: 2026-04-28. Review status: criteria provided, single submitter. Criteria: GeneDx Variant Classification Process June 2021. Collection method: clinical testing. Allele origin: germline.
Comment: Canonical splice site variant predicted to result in an in-frame loss of the adjacent exon in a gene for which loss of function is a known mechanism of disease; Not observed at significant frequency in large population cohorts (gnomAD); Has not been previously published as pathogenic or benign to our knowledge; This variant is associated with the following publications: (PMID: 20001957)

Labcorp Genetics (formerly Invitae), Labcorp
Classification: Uncertain significance for Dilated cardiomyopathy 1HH; Myofibrillar myopathy 6. Last evaluated: 2025-10-06. Review status: criteria provided, single submitter. Criteria: Invitae Variant Classification Sherloc (09022015). Collection method: clinical testing. Allele origin: germline.
Comment: This sequence change affects an acceptor splice site in intron 3 of the BAG3 gene. While this variant is not anticipated to result in nonsense mediated decay, it likely alters RNA splicing and results in a disrupted protein product. This variant is present in population databases (rs762944997, gnomAD 0.0009%). Disruption of this splice site has been observed in individual(s) with dilated cardiomyopathy (internal data). ClinVar contains an entry for this variant (Variation ID: 645255). Variants that disrupt the consensus splice site are a relatively common cause of aberrant splicing (PMID: 17576681, 9536098). Algorithms developed to predict the effect of sequence changes on RNA splicing suggest that this variant may disrupt the consensus splice site. In summary, the available evidence is currently insufficient to determine the role of this variant in disease. Therefore, it has been classified as a Variant of Uncertain Significance.

Ambry Genetics
Classification: Uncertain significance for Cardiovascular phenotype. Last evaluated: 2023-12-18. Review status: criteria provided, single submitter. Criteria: Ambry Variant Classification Scheme 2023. Collection method: clinical testing. Allele origin: germline.
Comment: The c.910-2A>C intronic variant results from an A to C substitution two nucleotides upstream from coding exon 4 in the BAG3 gene. Alterations that disrupt the canonical splice site are expected to result in aberrant splicing. In silico splice site analysis predicts that this alteration will weaken the native splice acceptor site and result in the creation or strengthening of a novel splice acceptor site. The resulting transcript is predicted to be an in-frame deletion of a single amino acid and is not expected to trigger nonsense-mediated mRNAdecay; however, direct evidence is unavailable. The exact functional effect of the missing amino acid is unknown. This nucleotide position is well conserved in available vertebrate species. Since supporting evidence is limited at this time, the clinical significance of this alteration remains unclear.

Literature cited by the submitters: PubMed 17576681 (cited by Labcorp Genetics (formerly Invitae), Labcorp); PubMed 9536098 (cited by Labcorp Genetics (formerly Invitae), Labcorp).